The following is an entry in ClinVar:

NM_004360.5(CDH1):c.836C>G (p.Thr279Ser)

Gene: CDH1 (cadherin 1; plus strand). Cytogenetic location: 16q22.1.
Variant type: single nucleotide variant.
Coding change: c.836C>G on transcript NM_004360.5 (MANE Select); coding-DNA position 836, C replaced by G.
Protein change: p.Thr279Ser; replaces threonine 279 with serine.
Molecular consequence: missense variant. On other transcripts: 5 prime UTR variant (2).
Genome position (GRCh38, 1-based): chr16:68,811,687, C>G. VCF-style: chr16-68811687-C-G. GRCh37 (hg19) VCF-style: chr16-68845590-C-G.
Other names: c.836C>G (LRG_301t1); c.836C>G, p.Thr279Ser (NM_001317184.2); c.-780C>G (NM_001317185.2); c.-984C>G (NM_001317186.2); short protein forms T279S.
Identifiers: ClinVar variation 483277 (VCV000483277.17), dbSNP rs761269950, ClinGen allele CA396459545.
Genomic context (GRCh38, chr16:68,811,687, plus strand): 5'-TTGACCCAGTCCCAAAGTGCAGCTTGTCTAAACCTTCATCTCCTTGAACTCTTCCAGGAA[C>G]CTCTGTGATGGAGGTCACAGCCACAGACGCGGACGATGATGTGAACACCTACAATGCCGC-3'
Protein context (NP_004351.1, residues 269-289): GSVMEGALPG[Thr279Ser]SVMEVTATDA

ClinVar aggregate classification (germline): Uncertain significance. Review status: criteria provided, multiple submitters, no conflicts (2 of 4 stars). 3 submissions from 3 submitters: Uncertain significance (3). Last evaluated 2025-04-24.

Conditions:
CDH1-related diffuse gastric and lobular breast cancer syndrome. Also called: CDH1-related diffuse gastric and lobular breast cancer. Identifiers: MedGen CN311521, MONDO:0100488.
Hereditary cancer-predisposing syndrome. Also called: Hereditary neoplastic syndrome; Neoplastic Syndromes, Hereditary; Tumor predisposition; Hereditary Cancer Syndrome. Identifiers: Orphanet 140162, MedGen C0027672, MeSH D009386, MONDO:0015356.
Hereditary diffuse gastric adenocarcinoma (HDGC). Also called: DIFFUSE GASTRIC AND LOBULAR BREAST CANCER SYNDROME. Identifiers: Orphanet 26106, MedGen C1708349, MONDO:0007648, OMIM 137215.

Submissions (3):

Ambry Genetics
Classification: Uncertain significance for Hereditary cancer-predisposing syndrome. Last evaluated: 2025-04-24. Review status: criteria provided, single submitter. Criteria: Ambry Variant Classification Scheme 2023. Collection method: clinical testing. Allele origin: germline.
Comment: The p.T279S variant (also known as c.836C>G), located in coding exon 7 of the CDH1 gene, results from a C to G substitution at nucleotide position 836. The threonine at codon 279 is replaced by serine, an amino acid with similar properties. This amino acid position is well conserved in available vertebrate species. In addition, the in silico prediction for this alteration is inconclusive. Since supporting evidence is limited at this time, the clinical significance of this alteration remains unclear.

Department of Pathology and Laboratory Medicine, Sinai Health System
Classification: Uncertain significance for CDH1-related diffuse gastric and lobular breast cancer syndrome. Last evaluated: 2025-02-20. Review status: criteria provided, single submitter. Criteria: ACMG Guidelines, 2015. Collection method: clinical testing. Allele origin: germline.

Labcorp Genetics (formerly Invitae), Labcorp
Classification: Uncertain significance for Hereditary diffuse gastric adenocarcinoma. Last evaluated: 2023-05-25. Review status: criteria provided, single submitter. Criteria: Invitae Variant Classification Sherloc (09022015). Collection method: clinical testing. Allele origin: germline.
Comment: An algorithm developed to predict the effect of missense changes on protein structure and function (PolyPhen-2) suggests that this variant is likely to be disruptive. This sequence change replaces threonine, which is neutral and polar, with serine, which is neutral and polar, at codon 279 of the CDH1 protein (p.Thr279Ser). This variant is not present in population databases (gnomAD no frequency). This variant has not been reported in the literature in individuals affected with CDH1-related conditions. ClinVar contains an entry for this variant (Variation ID: 483277). Algorithms developed to predict the effect of sequence changes on RNA splicing suggest that this variant may create or strengthen a splice site. In summary, the available evidence is currently insufficient to determine the role of this variant in disease. Therefore, it has been classified as a Variant of Uncertain Significance.